The following is an entry in ClinVar:

ClinVar aggregate classification (germline): Benign. Review status: criteria provided, multiple submitters, no conflicts (2 of 4 stars). 2 submissions from 2 submitters: Benign (2). Last evaluated 2018-06-14.

Allele frequency attached by ClinVar (database versions not stated): 1000 Genomes Project 0.06050; 1000 Genomes Project 30x 0.06309; TOPMed 0.07824.
gnomAD v4.1: 62,990 of 713,184 alleles (8.8%); highest among the groups gnomAD compares: Admixed American, 18%; 3,402 homozygotes.

Submissions (2):

GeneDx
Classification: Benign. Last evaluated: 2018-06-14. Review status: criteria provided, single submitter. Criteria: GeneDx Variant Classification (06012015). Collection method: clinical testing. Allele origin: germline. Affected: yes.
Comment: This variant is considered likely benign or benign based on one or more of the following criteria: it is a conservative change, it occurs at a poorly conserved position in the protein, it is predicted to be benign by multiple in silico algorithms, and/or has population frequency not consistent with disease.

Breakthrough Genomics
Classification: Benign. Review status: criteria provided, single submitter. Criteria: ACMG Guidelines, 2015. Collection method: not provided. Allele origin: germline. Inheritance: Autosomal recessive inheritance. Affected: yes.

NM_003680.4(YARS1):c.1042+208C>A

Gene: YARS1 (tyrosyl-tRNA synthetase 1; minus strand). Cytogenetic location: 1p35.1.
Variant type: single nucleotide variant.
Coding change: c.1042+208C>A on transcript NM_003680.4 (MANE Select); 208 bases into the intron after coding-DNA position 1042, C replaced by A.
Molecular consequence: intron variant.
Genome position (GRCh38, 1-based): chr1:32,782,196, G>T on the plus strand (C>A on the coding strand, the complement: YARS1 is on the minus strand). VCF-style: chr1-32782196-G-T. GRCh37 (hg19) VCF-style: chr1-33247797-G-T.
Identifiers: ClinVar variation 670891 (VCV000670891.2), dbSNP rs699004, ClinGen allele CA15091062.